The following is an entry in ClinVar:

NM_000136.3(FANCC):c.1124T>G (p.Leu375Arg)

Genes: FANCC (FA complementation group C; minus strand), AOPEP (aminopeptidase O (putative); plus strand). Cytogenetic location: 9q22.32.
Variant type: single nucleotide variant.
Coding change: c.1124T>G on transcript NM_000136.3 (MANE Select); coding-DNA position 1124, T replaced by G.
Protein change: p.Leu375Arg; replaces leucine 375 with arginine.
Molecular consequence: missense variant.
Genome position (GRCh38, 1-based): chr9:95,114,659, A>C on the plus strand (T>G on the coding strand, the complement: FANCC is on the minus strand). VCF-style: chr9-95114659-A-C. GRCh37 (hg19) VCF-style: chr9-97876941-A-C.
Other names: c.1124T>G, p.Leu375Arg (NM_001243743.2, NM_001243744.2); short protein forms L375R.
Identifiers: ClinVar variation 818385 (VCV000818385.4), dbSNP rs1588060440, ClinGen allele CA374107965.

ClinVar aggregate classification (germline): Uncertain significance (1 of 4 stars; one submission).

Conditions:
Hereditary cancer-predisposing syndrome. Also called: Tumor predisposition; Hereditary neoplastic syndrome; Neoplastic Syndromes, Hereditary; Hereditary Cancer Syndrome. Identifiers: Orphanet 140162, MedGen C0027672, MeSH D009386, MONDO:0015356.

Submission:

Ambry Genetics
Classification: Uncertain significance for Hereditary cancer-predisposing syndrome. Last evaluated: 2020-10-07. Review status: criteria provided, single submitter. Criteria: Ambry Variant Classification Scheme 2023. Collection method: clinical testing. Allele origin: germline.
Comment: The p.L375R variant (also known as c.1124T>G), located in coding exon 11 of the FANCC gene, results from a T to G substitution at nucleotide position 1124. The leucine at codon 375 is replaced by arginine, an amino acid with dissimilar properties. This amino acid position is highly conserved in available vertebrate species. In addition, this alteration is predicted to be deleterious by in silico analysis. Since supporting evidence is limited at this time, the clinical significance of this alteration remains unclear.